The following is an entry in ClinVar:

ClinVar aggregate classification (germline): Likely pathogenic (1 of 4 stars; one submission).

Conditions:
KMT2B-related disorder. Also called: KMT2B-related condition; KMT2B-related disorders. Identifiers: MedGen CN381338.

Submission:

PreventionGenetics, part of Exact Sciences
Classification: Likely pathogenic for KMT2B-related condition. Last evaluated: 2022-11-16. Review status: criteria provided, single submitter. Criteria: ACMG Guidelines, 2015. Collection method: clinical testing. Allele origin: germline.
Comment: The KMT2B c.5054A>T variant is predicted to result in the amino acid substitution p.His1685Leu. To our knowledge, this variant has not been reported in the literature or in a large population database, indicating this variant is rare. This variant is interpreted as likely pathogenic.

NM_014727.3(KMT2B):c.5054A>T (p.His1685Leu)

Gene: KMT2B (lysine methyltransferase 2B; plus strand). Cytogenetic location: 19q13.12.
Variant type: single nucleotide variant.
Coding change: c.5054A>T on transcript NM_014727.3 (MANE Select); coding-DNA position 5054, A replaced by T.
Protein change: p.His1685Leu; replaces histidine 1685 with leucine.
Molecular consequence: missense variant.
Genome position (GRCh38, 1-based): chr19:35,730,103, A>T. VCF-style: chr19-35730103-A-T. GRCh37 (hg19) VCF-style: chr19-36221004-A-T.
Other names: short protein forms H1685L.
Identifiers: ClinVar variation 2635200 (VCV002635200.1), dbSNP rs2513344926, ClinGen allele CA405419317.